The following is an entry in ClinVar:

ClinVar aggregate classification (germline): Uncertain significance (1 of 4 stars; one submission).

Allele frequency attached by ClinVar (database versions not stated): gnomAD 0.00001; TOPMed 0.00001.
gnomAD v4.1: 2 of 1,602,044 alleles (0.00012%); highest among the groups gnomAD compares: African/African-American, 0.0027%; no homozygotes.

Submission:

Ambry Genetics
Classification: Uncertain significance. Last evaluated: 2023-12-31. Review status: criteria provided, single submitter. Criteria: Ambry Variant Classification Scheme 2023. Collection method: clinical testing. Allele origin: germline.
Comment: The p.L334R variant (also known as c.1001T>G), located in coding exon 10 of the RASA2 gene, results from a T to G substitution at nucleotide position 1001. The leucine at codon 334 is replaced by arginine, an amino acid with dissimilar properties. This amino acid position is conserved. In addition, the in silico prediction for this alteration is inconclusive. Since supporting evidence is limited at this time, the clinical significance of this alteration remains unclear.

NM_006506.5(RASA2):c.1001T>G (p.Leu334Arg)

Gene: RASA2 (RAS p21 protein activator 2; plus strand). Cytogenetic location: 3q23.
Variant type: single nucleotide variant.
Coding change: c.1001T>G on transcript NM_006506.5 (MANE Select); coding-DNA position 1001, T replaced by G.
Protein change: p.Leu334Arg; replaces leucine 334 with arginine.
Molecular consequence: missense variant.
Genome position (GRCh38, 1-based): chr3:141,571,049, T>G. VCF-style: chr3-141571049-T-G. GRCh37 (hg19) VCF-style: chr3-141289891-T-G.
Other names: c.1001T>G, p.Leu334Arg (NM_001303245.3, NM_001303246.3); short protein forms L334R.
Identifiers: ClinVar variation 3225599 (VCV003225599.1), dbSNP rs1447225136, ClinGen allele CA354775608.